The following is an entry in ClinVar:

ClinVar aggregate classification (germline): Likely pathogenic (1 of 4 stars; one submission).

Submission:

GeneDx
Classification: Likely pathogenic. Last evaluated: 2023-05-15. Review status: criteria provided, single submitter. Criteria: GeneDx Variant Classification Process June 2021. Collection method: clinical testing. Allele origin: germline. Affected: yes.
Comment: Canonical splice site variant predicted to result in an in-frame loss of the adjacent exon in a gene for which loss of function is a known mechanism of disease; Not observed at significant frequency in large population cohorts (gnomAD); Has not been previously published as pathogenic or benign to our knowledge

NM_015057.5(MYCBP2):c.4942-2A>C

Gene: MYCBP2 (MYC binding protein 2; minus strand). Cytogenetic location: 13q22.3.
Variant type: single nucleotide variant.
Coding change: c.4942-2A>C on transcript NM_015057.5 (MANE Select); the canonical splice acceptor site of the intron before coding-DNA position 4942, A replaced by C.
Molecular consequence: splice acceptor variant.
Genome position (GRCh38, 1-based): chr13:77,180,320, T>G on the plus strand (A>C on the coding strand, the complement: MYCBP2 is on the minus strand). VCF-style: chr13-77180320-T-G. GRCh37 (hg19) VCF-style: chr13-77754455-T-G.
Identifiers: ClinVar variation 3343417 (VCV003343417.1).
Genomic context (GRCh38, chr13:77,180,320, plus strand): 5'-ACCAGCATTTTCTCCAGAACTTCACGGAAGCTTGTCATCCCTGAGATATTCTCTTCACTC[T>G]GCGATACATAAGAAAAAGTTCTAAGGTATTGTTTTATTTTCCTTCATAGGAGTACTCAAT-3'